The following is an entry in ClinVar:

NM_003705.5(SLC25A12):c.870G>C (p.Glu290Asp)

Gene: SLC25A12 (solute carrier family 25 member 12; minus strand). Cytogenetic location: 2q31.1.
Variant type: single nucleotide variant.
Coding change: c.870G>C on transcript NM_003705.5 (MANE Select); coding-DNA position 870, G replaced by C.
Protein change: p.Glu290Asp; replaces glutamic acid 290 with aspartic acid.
Molecular consequence: missense variant. On other transcripts: non-coding transcript variant (1).
Genome position (GRCh38, 1-based): chr2:171,826,858, C>G on the plus strand (G>C on the coding strand, the complement: SLC25A12 is on the minus strand). VCF-style: chr2-171826858-C-G. GRCh37 (hg19) VCF-style: chr2-172683368-C-G.
Other names: short protein forms E290D.
Identifiers: ClinVar variation 1524654 (VCV001524654.6), dbSNP rs757002057, ClinGen allele CA1966279.

ClinVar aggregate classification (germline): Uncertain significance. Review status: criteria provided, multiple submitters, no conflicts (2 of 4 stars). 2 submissions from 2 submitters: Uncertain significance (2). Last evaluated 2021-09-01.

Conditions:
Developmental and epileptic encephalopathy, 39 (DEE39). Also called: DEVELOPMENTAL AND EPILEPTIC ENCEPHALOPATHY 39 WITH LEUKODYSTROPHY. Identifiers: Orphanet 353217, MedGen C2751855, MONDO:0013056, OMIM 612949.

Allele frequency attached by ClinVar (database versions not stated): gnomAD exomes below 0.00001 and 0.00001; TOPMed below 0.00001; ExAC 0.00001; gnomAD 0.00001.
gnomAD v4.1: 11 of 1,610,652 alleles (0.00068%); highest among the groups gnomAD compares: Non-Finnish European, 0.00085%; no homozygotes.

Submissions (2):

Labcorp Genetics (formerly Invitae), Labcorp
Classification: Uncertain significance. Last evaluated: 2021-09-01. Review status: criteria provided, single submitter. Criteria: Invitae Variant Classification Sherloc (09022015). Collection method: clinical testing. Allele origin: germline.
Comment: This sequence change replaces glutamic acid with aspartic acid at codon 290 of the SLC25A12 protein (p.Glu290Asp). The glutamic acid residue is moderately conserved and there is a small physicochemical difference between glutamic acid and aspartic acid. This variant is present in population databases (rs757002057, ExAC 0.002%). This variant has not been reported in the literature in individuals affected with SLC25A12-related conditions. Algorithms developed to predict the effect of missense changes on protein structure and function (SIFT, PolyPhen-2, Align-GVGD) all suggest that this variant is likely to be tolerated. In summary, the available evidence is currently insufficient to determine the role of this variant in disease. Therefore, it has been classified as a Variant of Uncertain Significance.

Victorian Clinical Genetics Services, Murdoch Childrens Research Institute
Classification: Uncertain significance for Developmental and epileptic encephalopathy, 39. Last evaluated: 2019-08-28. Review status: criteria provided, single submitter. Criteria: ACMG Guidelines, 2015. Collection method: clinical testing. Allele origin: germline. Inheritance: Autosomal recessive inheritance. Affected: yes.
Comment: A heterozygous missense variant, NM_003705.4(SLC25A12):c.870G>C, has been identified in exon 9 of 18 of the SLC25A12 gene. The variant is predicted to result in a minor amino acid change from glutamic acid to aspartic acid at position 290 of the protein (NP_003696.2(SLC25A12):p.(Glu290Asp)). The glutamic acid residue at this position has high conservation (100 vertebrates, UCSC), and is located within the N-terminal domain. In silico predictions of pathogenicity for this variant are conflicting (Polyphen, SIFT, CADD, Mutation Taster). The variant is present in the gnomAD database at a frequency of 0.0007% (2 heterozygotes, 0 homozygotes). This variant has not been previously reported in clinical cases. Based on the information available at the time of curation, this variant has been classified as VARIANT of UNCERTAIN SIGNIFICANCE (VUS).